The following is an entry in ClinVar:

ClinVar aggregate classification (germline): Pathogenic (1 of 4 stars; one submission).

Submission:

Labcorp Genetics (formerly Invitae), Labcorp
Classification: Pathogenic. Last evaluated: 2023-03-03. Review status: criteria provided, single submitter. Criteria: Invitae Variant Classification Sherloc (09022015). Collection method: clinical testing. Allele origin: germline.
Comment: This variant has not been reported in the literature in individuals affected with ABCC2-related conditions. This sequence change creates a premature translational stop signal (p.Ile1320Serfs*32) in the ABCC2 gene. It is expected to result in an absent or disrupted protein product. Loss-of-function variants in ABCC2 are known to be pathogenic (PMID: 9185779, 16549534, 16952291). This variant is not present in population databases (gnomAD no frequency). For these reasons, this variant has been classified as Pathogenic.

Literature cited by the submitters: PubMed 9185779; PubMed 16549534; PubMed 16952291.

NM_000392.5(ABCC2):c.3958del (p.Ile1320fs)

Gene: ABCC2 (ATP binding cassette subfamily C member 2; plus strand). Cytogenetic location: 10q24.2.
Variant type: Deletion.
Coding change: c.3958del on transcript NM_000392.5 (MANE Select); coding-DNA position 3958, one base deleted (A; older notation c.3958delA).
Protein change: p.Ile1320fs; shifts the reading frame from isoleucine 1320.
Molecular consequence: frameshift variant.
Genome position (GRCh38, 1-based): chr10:99,844,436, A deleted. VCF-style (leftmost placement, unchanged base first): chr10-99844435-GA-G. GRCh37 (hg19) VCF-style: chr10-101604192-GA-G.
Other names: short protein forms I1320fs.
Identifiers: ClinVar variation 2715705 (VCV002715705.3), dbSNP rs2493048339, ClinGen allele CA2610497725.